The following is an entry in ClinVar:

ClinVar aggregate classification (germline): Uncertain significance (1 of 4 stars; one submission).

Conditions:
Dyskeratosis congenita. Identifiers: Orphanet 1775, MedGen C0265965, MONDO:0015780.

Submission:

Labcorp Genetics (formerly Invitae), Labcorp
Classification: Uncertain significance for Dyskeratosis congenita. Last evaluated: 2021-11-09. Review status: criteria provided, single submitter. Criteria: Invitae Variant Classification Sherloc (09022015). Collection method: clinical testing. Allele origin: germline.
Comment: This variant has not been reported in the literature in individuals affected with CTC1-related conditions. Algorithms developed to predict the effect of missense changes on protein structure and function output the following: SIFT: "Tolerated"; PolyPhen-2: "Benign"; Align-GVGD: "Class C0". The valine amino acid residue is found in multiple mammalian species, which suggests that this missense change does not adversely affect protein function. In summary, the available evidence is currently insufficient to determine the role of this variant in disease. Therefore, it has been classified as a Variant of Uncertain Significance. This sequence change replaces isoleucine, which is neutral and non-polar, with valine, which is neutral and non-polar, at codon 902 of the CTC1 protein (p.Ile902Val). This variant is not present in population databases (gnomAD no frequency).

NM_025099.6(CTC1):c.2704A>G (p.Ile902Val)

Gene: CTC1 (CST telomere replication complex component 1; minus strand). Cytogenetic location: 17p13.1.
Variant type: single nucleotide variant.
Coding change: c.2704A>G on transcript NM_025099.6 (MANE Select); coding-DNA position 2704, A replaced by G.
Protein change: p.Ile902Val; replaces isoleucine 902 with valine.
Molecular consequence: missense variant. On other transcripts: non-coding transcript variant (1).
Genome position (GRCh38, 1-based): chr17:8,230,617, T>C on the plus strand (A>G on the coding strand, the complement: CTC1 is on the minus strand). VCF-style: chr17-8230617-T-C. GRCh37 (hg19) VCF-style: chr17-8133935-T-C.
Other names: short protein forms I902V.
Identifiers: ClinVar variation 1379811 (VCV001379811.6), dbSNP rs2151504713, ClinGen allele CA397974584.